The following is an entry in ClinVar:

ClinVar aggregate classification (germline): Conflicting classifications of pathogenicity. Review status: criteria provided, conflicting classifications (1 of 4 stars). 5 submissions from 5 submitters: Uncertain significance (2); Benign (1); Likely benign (2). Last evaluated 2025-11-01.

Conditions:
ADGRV1-related disorder. Also called: ADGRV1-related condition; ADGRV1-related disorders.
Inborn genetic diseases. Identifiers: MedGen C0950123, MeSH D030342.

Allele frequency attached by ClinVar (database versions not stated): TOPMed 0.00003; gnomAD 0.00004 and 0.00011; gnomAD exomes 0.00026; ExAC 0.00035; 1000 Genomes Project 0.00040; 1000 Genomes Project 30x 0.00047.
gnomAD v4.1: 173 of 1,612,464 alleles (0.011%); highest among the groups gnomAD compares: South Asian, 0.15%; 1 homozygote.

Submissions (5):

Labcorp Genetics (formerly Invitae), Labcorp
Classification: Benign. Last evaluated: 2025-11-01. Review status: criteria provided, single submitter. Criteria: Invitae Variant Classification Sherloc (09022015). Collection method: clinical testing. Allele origin: germline.

PreventionGenetics, part of Exact Sciences
Classification: Likely benign for ADGRV1-related condition. Last evaluated: 2024-11-26. Review status: criteria provided, single submitter. Criteria: ACMG Guidelines, 2015. Collection method: clinical testing. Allele origin: germline.
Comment: This variant is classified as likely benign based on ACMG/AMP sequence variant interpretation guidelines (Richards et al. 2015 PMID: 25741868, with internal and published modifications).

Blueprint Genetics
Classification: Likely benign. Last evaluated: 2024-11-06. Review status: criteria provided, single submitter. Criteria: ACMG Guidelines, 2015. Collection method: clinical testing. Allele origin: germline.

Ambry Genetics
Classification: Uncertain significance for Inborn genetic diseases. Last evaluated: 2024-08-19. Review status: criteria provided, single submitter. Criteria: Ambry Variant Classification Scheme 2023. Collection method: clinical testing. Allele origin: germline.

CeGaT Center for Human Genetics Tuebingen
Classification: Uncertain significance. Last evaluated: 2016-06-01. Review status: criteria provided, single submitter. Criteria: CeGaT Center For Human Genetics Tuebingen Variant Classification Criteria Version 2. Collection method: clinical testing. Allele origin: germline. Affected: yes. Observed: 1 variant allele.

NM_032119.4(ADGRV1):c.2660A>G (p.His887Arg)

Gene: ADGRV1 (adhesion G protein-coupled receptor V1; plus strand). Cytogenetic location: 5q14.3.
Variant type: single nucleotide variant.
Coding change: c.2660A>G on transcript NM_032119.4 (MANE Select); coding-DNA position 2660, A replaced by G.
Protein change: p.His887Arg; replaces histidine 887 with arginine.
Molecular consequence: missense variant. On other transcripts: non-coding transcript variant (1).
Genome position (GRCh38, 1-based): chr5:90,643,909, A>G. VCF-style: chr5-90643909-A-G. GRCh37 (hg19) VCF-style: chr5-89939726-A-G.
Other names: c.2660A>G (NM_032119.3); short protein forms H887R.
Identifiers: ClinVar variation 809773 (VCV000809773.50), dbSNP rs560889543, ClinGen allele CA3338981.